The following is an entry in ClinVar:

ClinVar aggregate classification (germline): Uncertain significance (1 of 4 stars; one submission).

Submission:

Labcorp Genetics (formerly Invitae), Labcorp
Classification: Uncertain significance. Last evaluated: 2023-05-04. Review status: criteria provided, single submitter. Criteria: Invitae Variant Classification Sherloc (09022015). Collection method: clinical testing. Allele origin: germline.
Comment: This sequence change creates a premature translational stop signal (p.Gly478Alafs*21) in the ANXA11 gene. While this is not anticipated to result in nonsense mediated decay, it is expected to disrupt the last 28 amino acid(s) of the ANXA11 protein. In summary, the available evidence is currently insufficient to determine the role of this variant in disease. Therefore, it has been classified as a Variant of Uncertain Significance. Experimental studies and prediction algorithms are not available or were not evaluated, and the functional significance of this variant is currently unknown. This variant has not been reported in the literature in individuals affected with ANXA11-related conditions. This variant is not present in population databases (gnomAD no frequency).

NM_145868.2(ANXA11):c.1433del (p.Gly478fs)

Gene: ANXA11 (annexin A11; minus strand). Cytogenetic location: 10q22.3.
Variant type: Deletion.
Coding change: c.1433del on transcript NM_145868.2 (MANE Select); coding-DNA position 1433, one base deleted (G; older notation c.1433delG).
Protein change: p.Gly478fs; shifts the reading frame from glycine 478.
Molecular consequence: frameshift variant.
Genome position (GRCh38, 1-based): chr10:80,157,666, C deleted on the plus strand (G on the coding strand, the reverse complement: ANXA11 is on the minus strand); the first of 2 consecutive C bases (chr10:80,157,666-80,157,667); deleting either gives the same sequence. VCF-style (leftmost placement, unchanged base first): chr10-80157665-GC-G. GRCh37 (hg19) VCF-style: chr10-81917421-GC-G.
Other names: c.1433del, p.Gly478fs (NM_001157.3, NM_001278407.2, NM_001278408.2 and 1 more transcripts); c.1334del, p.Gly445fs (NM_001278409.2); short protein forms G478fs, G445fs.
Identifiers: ClinVar variation 2861142 (VCV002861142.3), dbSNP rs2492547482, ClinGen allele CA2739275856.
Genomic context (GRCh38, chr10:80,157,665, plus strand): 5'-AAAAGGGAGCCCAGTTGGCCTGCAGCAGGCCCGTACCGAGATGTCGTGGTACAGCGACTT[GC>G]CGTACATCCGCTTATACTCTGATCTGATGTCCAGGAGGTCGGTCTCGCTGCGAGACACCA-3'